The following is an entry in ClinVar:

NM_015030.2(FRYL):c.5534T>G (p.Leu1845Arg)

Gene: FRYL (FRY like transcription coactivator; minus strand). Cytogenetic location: 4p11.
Variant type: single nucleotide variant.
Coding change: c.5534T>G on transcript NM_015030.2 (MANE Select); coding-DNA position 5534, T replaced by G.
Protein change: p.Leu1845Arg; replaces leucine 1845 with arginine.
Molecular consequence: missense variant.
Genome position (GRCh38, 1-based): chr4:48,543,865, A>C on the plus strand (T>G on the coding strand, the complement: FRYL is on the minus strand). VCF-style: chr4-48543865-A-C. GRCh37 (hg19) VCF-style: chr4-48545882-A-C.
Other names: short protein forms L1845R.
Identifiers: ClinVar variation 4988534 (VCV004988534.1).

ClinVar aggregate classification (germline): Uncertain significance (1 of 4 stars; one submission).

Conditions:
FRYL-related disorder.

Submission:

PreventionGenetics, part of Exact Sciences
Classification: Uncertain significance for FRYL-related condition. Last evaluated: 2026-04-10. Review status: criteria provided, single submitter. Criteria: ACMG Guidelines, 2015. Collection method: clinical testing. Allele origin: germline.
Comment: The FRYL c.5534T>G variant is predicted to result in the amino acid substitution p.Leu1845Arg. To our knowledge, this variant has not been reported in the literature or in a large population database (gnomAD), indicating this variant is rare. At this time, the clinical significance of this variant is uncertain due to the absence of conclusive functional and genetic evidence.